The following is an entry in ClinVar:

NM_007294.4(BRCA1):c.150A>C (p.Lys50Asn)

Gene: BRCA1 (BRCA1 DNA repair associated; minus strand). Cytogenetic location: 17q21.31.
Variant type: single nucleotide variant.
Coding change: c.150A>C on transcript NM_007294.4 (MANE Select); coding-DNA position 150, A replaced by C.
Protein change: p.Lys50Asn; replaces lysine 50 with asparagine.
Molecular consequence: missense variant. On other transcripts: non-coding transcript variant (1).
Genome position (GRCh38, 1-based): chr17:43,106,518, T>G on the plus strand (A>C on the coding strand, the complement: BRCA1 is on the minus strand). VCF-style: chr17-43106518-T-G. GRCh37 (hg19) VCF-style: chr17-41258535-T-G.
Other names: c.-39A>C (NM_001407571.1, NM_001407853.1, NM_001407879.1 and 58 more transcripts); c.150A>C, p.Lys50Asn (NM_001407581.1, NM_001407582.1, NM_001407583.1 and 168 more transcripts); c.9A>C, p.Lys3Asn (NM_001407692.1, NM_001407694.1, NM_001407695.1 and 99 more transcripts); short protein forms K50N, K3N.
Identifiers: ClinVar variation 868227 (VCV000868227.3), dbSNP rs1555597289, ClinGen allele CA10601856.
Genomic context (GRCh38, chr17:43,106,518, plus strand): 5'-TTTGGTTATATCATTCTTACATAAAGGACACTGTGAAGGCCCTTTCTTCTGGTTGAGAAG[T>G]TTCAGCATGCAAAATCTATAAATTATAAAGAAAGAAAGAACAATTTAATTTACTTCCTTT-3'
Protein context (NP_009225.1, residues 40-60): DHIFCKFCML[Lys50Asn]LLNQKKGPSQ

Conditions:
Breast-ovarian cancer, familial, susceptibility to, 1 (BROVCA1). Also called: BRCA1 Hereditary Breast and Ovarian Cancer; OVARIAN CANCER, SUSCEPTIBILITY TO. Identifiers: Orphanet 145, MedGen C2676676, MONDO:0011450, OMIM 604370. Disease mechanism: loss of function.

Submission:

Brotman Baty Institute, University of Washington
No classification provided (evidence only). Condition: Breast-ovarian cancer, familial 1. Review status: no classification provided. Collection method: in vitro. Allele origin: not applicable. Functional consequence: functionally_normal.
ClinVar note: "not provided" was previously submitted as the classification for the variant. However, the classification appeared to be based only on an observation of functional data so it was converted to no classification on 2025-07-30.